The following is an entry in ClinVar:

ClinVar aggregate classification (germline): Likely benign. Review status: criteria provided, multiple submitters, no conflicts (2 of 4 stars). 3 submissions from 3 submitters: Likely benign (3). Last evaluated 2026-03-20.

Conditions:
PRPF31-related disorder. Also called: PRPF31-related condition.

Allele frequency attached by ClinVar (database versions not stated): TOPMed 0.00001; gnomAD exomes 0.00003 and 0.00005; gnomAD 0.00005; ExAC 0.00007; 1000 Genomes Project 0.00040; 1000 Genomes Project 30x 0.00047.
gnomAD v4.1: 49 of 1,606,980 alleles (0.003%); highest among the groups gnomAD compares: South Asian, 0.041%; no homozygotes.

Submissions (3):

PreventionGenetics, part of Exact Sciences
Classification: Likely benign for PRPF31-related condition. Last evaluated: 2026-03-20. Review status: criteria provided, single submitter. Criteria: ACMG Guidelines, 2015. Collection method: clinical testing. Allele origin: germline.
Comment: This variant is classified as likely benign based on ACMG/AMP sequence variant interpretation guidelines (Richards et al. 2015 PMID: 25741868, with internal and published modifications).

Labcorp Genetics (formerly Invitae), Labcorp
Classification: Likely benign. Last evaluated: 2025-04-21. Review status: criteria provided, single submitter. Criteria: Invitae Variant Classification Sherloc (09022015). Collection method: clinical testing. Allele origin: germline.

Blueprint Genetics
Classification: Likely benign. Last evaluated: 2024-07-09. Review status: criteria provided, single submitter. Criteria: ACMG Guidelines, 2015. Collection method: clinical testing. Allele origin: germline.

NM_015629.4(PRPF31):c.1326C>T (p.Arg442=)

Gene: PRPF31 (pre-mRNA processing factor 31; plus strand). Cytogenetic location: 19q13.42.
Variant type: single nucleotide variant.
Coding change: c.1326C>T on transcript NM_015629.4 (MANE Select); coding-DNA position 1326, C replaced by T.
Protein change: p.Arg442=; no amino-acid change (arginine 442 retained).
Molecular consequence: synonymous variant.
Genome position (GRCh38, 1-based): chr19:54,129,322, C>T. VCF-style: chr19-54129322-C-T. GRCh37 (hg19) VCF-style: chr19-54632697-C-T.
Other names: c.1326C>T (NM_015629.3).
Identifiers: ClinVar variation 1668963 (VCV001668963.10), dbSNP rs199893456, ClinGen allele CA309330964.